The following is an entry in ClinVar:

NM_000297.4(PKD2):c.2428G>A (p.Asp810Asn)

Gene: PKD2 (polycystin 2, transient receptor potential cation channel; plus strand). Cytogenetic location: 4q22.1.
Variant type: single nucleotide variant.
Coding change: c.2428G>A on transcript NM_000297.4 (MANE Select); coding-DNA position 2428, G replaced by A.
Protein change: p.Asp810Asn; replaces aspartic acid 810 with asparagine.
Molecular consequence: missense variant. On other transcripts: non-coding transcript variant (1).
Genome position (GRCh38, 1-based): chr4:88,067,967, G>A. VCF-style: chr4-88067967-G-A. GRCh37 (hg19) VCF-style: chr4-88989119-G-A.
Other names: short protein forms D810N.
Identifiers: ClinVar variation 1409191 (VCV001409191.10), dbSNP rs775470869, ClinGen allele CA3004248.

ClinVar aggregate classification (germline): Uncertain significance. Review status: criteria provided, multiple submitters, no conflicts (2 of 4 stars). 2 submissions from 2 submitters: Uncertain significance (2). Last evaluated 2025-01-23.

Conditions:
Polycystic kidney disease 2 (PKD2). Also called: POLYCYSTIC KIDNEY DISEASE, ADULT, TYPE II; Polycystic Kidney Disease 2, Autosomal Dominant; POLYCYSTIC KIDNEY DISEASE 2 WITH OR WITHOUT POLYCYSTIC LIVER DISEASE. Identifiers: MedGen C2751306, MONDO:0013131, OMIM 613095.
Autosomal dominant polycystic kidney disease. Identifiers: Orphanet 730, MedGen C0085413, MONDO:0004691.

Allele frequency attached by ClinVar (database versions not stated): TOPMed below 0.00001; gnomAD 0.00001; gnomAD exomes 0.00001 and 0.00003; ExAC 0.00003.
gnomAD v4.1: 22 of 1,613,734 alleles (0.0014%); highest among the groups gnomAD compares: Non-Finnish European, 0.0018%; no homozygotes.

Submissions (2):

Labcorp Genetics (formerly Invitae), Labcorp
Classification: Uncertain significance for Autosomal dominant polycystic kidney disease. Last evaluated: 2025-01-23. Review status: criteria provided, single submitter. Criteria: Invitae Variant Classification Sherloc (09022015). Collection method: clinical testing. Allele origin: germline.
Comment: This sequence change replaces aspartic acid, which is acidic and polar, with asparagine, which is neutral and polar, at codon 810 of the PKD2 protein (p.Asp810Asn). This variant is present in population databases (rs775470869, gnomAD 0.005%). This variant has not been reported in the literature in individuals affected with PKD2-related conditions. ClinVar contains an entry for this variant (Variation ID: 1409191). An algorithm developed to predict the effect of missense changes on protein structure and function (PolyPhen-2) suggests that this variant is likely to be disruptive. In summary, the available evidence is currently insufficient to determine the role of this variant in disease. Therefore, it has been classified as a Variant of Uncertain Significance.

Revvity Omics, Revvity
Classification: Uncertain significance for Polycystic kidney disease 2. Last evaluated: 2022-01-19. Review status: criteria provided, single submitter. Criteria: ACMG Guidelines, 2015. Collection method: clinical testing. Allele origin: germline.